The following is an entry in ClinVar:

NM_021096.4(CACNA1I):c.1783_1803del (p.Arg595_Ala601del)

Gene: CACNA1I (calcium voltage-gated channel subunit alpha1 I; plus strand). Cytogenetic location: 22q13.1.
Variant type: Deletion.
Coding change: c.1783_1803del on transcript NM_021096.4 (MANE Select); coding-DNA positions 1783 to 1803, 21 bases deleted (CGGAGCAGCGAGGACGGAGCC).
Protein change: p.Arg595_Ala601del.
Molecular consequence: inframe deletion.
Genome position (GRCh38, 1-based): chr22:39,649,716-39,649,736, CGGAGCAGCGAGGACGGAGCC deleted; deleting any 21 consecutive bases within chr22:39,649,713-39,649,736 gives the same sequence; the c. name uses the placement nearest the transcript's 3' end. VCF-style (leftmost placement, unchanged base first): chr22-39649712-GGCCCGGAGCAGCGAGGACGGA-G. GRCh37 (hg19) VCF-style: chr22-40045717-GGCCCGGAGCAGCGAGGACGGA-G.
Other names: c.1678_1698del, p.Arg560_Ala566del (NM_001003406.2).
Identifiers: ClinVar variation 2632566 (VCV002632566.1), dbSNP rs2518145516, ClinGen allele CA2577723619.

ClinVar aggregate classification (germline): Uncertain significance (1 of 4 stars; one submission).

Conditions:
CACNA1I-related disorder. Also called: CACNA1I-related condition.

Submission:

PreventionGenetics, part of Exact Sciences
Classification: Uncertain significance for CACNA1I-related condition. Last evaluated: 2023-06-23. Review status: criteria provided, single submitter. Criteria: ACMG Guidelines, 2015. Collection method: clinical testing. Allele origin: germline.
Comment: The CACNA1I c.1783_1803del21 variant is predicted to result in an in-frame deletion (p.Arg595_Ala601del). To our knowledge, this variant has not been reported in the literature or in a large population database, indicating this variant is rare. At this time, the clinical significance of this variant is uncertain due to the absence of conclusive functional and genetic evidence.